The following is an entry in ClinVar:

NM_007294.4(BRCA1):c.4048G>T (p.Gly1350Cys)

Genes: BRCA1 (BRCA1 DNA repair associated; minus strand), LOC126862571 (BRD4-independent group 4 enhancer GRCh37_chr17:41243136-41244335; plus strand). Cytogenetic location: 17q21.31.
Variant type: single nucleotide variant.
Coding change: c.4048G>T on transcript NM_007294.4 (MANE Select); coding-DNA position 4048, G replaced by T.
Protein change: p.Gly1350Cys; replaces glycine 1350 with cysteine.
Molecular consequence: missense variant. On other transcripts: intron variant (135).
Genome position (GRCh38, 1-based): chr17:43,091,483, C>A on the plus strand (G>T on the coding strand, the complement: BRCA1 is on the minus strand). VCF-style: chr17-43091483-C-A. GRCh37 (hg19) VCF-style: chr17-41243500-C-A.
Other names: c.3835G>T, p.Gly1279Cys (NM_001407571.1, NM_001407853.1, NM_001407894.1 and 9 more transcripts); c.4048G>T, p.Gly1350Cys (NM_001407581.1, NM_001407582.1, NM_001407583.1 and 30 more transcripts); c.4045G>T, p.Gly1349Cys (NM_001407587.1, NM_001407590.1, NM_001407591.1 and 22 more transcripts); c.4039G>T, p.Gly1347Cys (NM_001407646.1, NM_001407647.1); c.3925G>T, p.Gly1309Cys (NM_001407648.1, NM_001407664.1, NM_001407665.1 and 19 more transcripts); c.3922G>T, p.Gly1308Cys (NM_001407649.1, NM_001407670.1, NM_001407671.1 and 11 more transcripts); c.3970G>T, p.Gly1324Cys (NM_001407653.1, NM_001407654.1, NM_001407655.1 and 4 more transcripts); c.3967G>T, p.Gly1323Cys (NM_001407659.1, NM_001407660.1, NM_001407661.1 and 1 more transcripts); and 41 more; short protein forms G1350C, G1303C, G1182C, G1222C, G1262C, G1308C, G1309C, G1347C.
Identifiers: ClinVar variation 231563 (VCV000231563.29), dbSNP rs748674194, ClinGen allele CA059014.

ClinVar aggregate classification (germline): Conflicting classifications of pathogenicity. Review status: criteria provided, conflicting classifications (1 of 4 stars). 9 submissions from 9 submitters: Uncertain significance (7); Likely benign (2). Last evaluated 2025-10-01.

Conditions:
Hereditary breast ovarian cancer syndrome. Also called: Breast and ovarian cancer; Hereditary breast and ovarian cancer; Hereditary breast and ovarian cancer syndrome; Hereditary breast and/or ovarian cancer syndrome; BRCA1- and BRCA2-Associated Hereditary Breast and Ovarian Cancer; Hereditary breast and ovarian cancer syndrome (HBOC). Identifiers: Orphanet 145, MedGen C0677776, MeSH D061325, MONDO:0003582. Disease mechanism: loss of function.
Breast-ovarian cancer, familial, susceptibility to, 1 (BROVCA1). Also called: BRCA1 Hereditary Breast and Ovarian Cancer; OVARIAN CANCER, SUSCEPTIBILITY TO. Identifiers: Orphanet 145, MedGen C2676676, MONDO:0011450, OMIM 604370. Disease mechanism: loss of function.
Hereditary cancer-predisposing syndrome. Also called: Tumor predisposition; Hereditary Cancer Syndrome; Neoplastic Syndromes, Hereditary; Hereditary neoplastic syndrome. Identifiers: Orphanet 140162, MedGen C0027672, MeSH D009386, MONDO:0015356.

Allele frequency attached by ClinVar (database versions not stated): ExAC 0.00001.
gnomAD v4.1: 5 of 1,613,500 alleles (0.00031%); highest among the groups gnomAD compares: East Asian, 0.011%; no homozygotes.

Submissions (9):

Labcorp Genetics (formerly Invitae), Labcorp
Classification: Uncertain significance for Hereditary breast ovarian cancer syndrome. Last evaluated: 2025-10-01. Review status: criteria provided, single submitter. Criteria: Invitae Variant Classification Sherloc (09022015). Collection method: clinical testing. Allele origin: germline.
Comment: This sequence change replaces glycine, which is neutral and non-polar, with cysteine, which is neutral and slightly polar, at codon 1350 of the BRCA1 protein (p.Gly1350Cys). This variant is present in population databases (rs748674194, gnomAD 0.03%). This missense change has been observed in individual(s) with breast cancer (PMID: 30039884). ClinVar contains an entry for this variant (Variation ID: 231563). Invitae Evidence Modeling of protein sequence and biophysical properties (such as structural, functional, and spatial information, amino acid conservation, physicochemical variation, residue mobility, and thermodynamic stability) indicates that this missense variant is not expected to disrupt BRCA1 protein function with a negative predictive value of 80%. In summary, the available evidence is currently insufficient to determine the role of this variant in disease. Therefore, it has been classified as a Variant of Uncertain Significance.

Women's Health and Genetics/Laboratory Corporation of America, LabCorp
Classification: Uncertain significance. Last evaluated: 2025-07-17. Review status: criteria provided, single submitter. Criteria: LabCorp Variant Classification Summary - May 2015. Collection method: clinical testing. Allele origin: germline.
Comment: Variant summary: BRCA1 c.4048G>T (p.Gly1350Cys) results in a non-conservative amino acid change in the encoded protein sequence. Algorithms developed to predict the effect of missense changes on protein structure and function are either unavailable or do not agree on the potential impact of this missense change. The variant allele was found at a frequency of 2e-05 in 251066 control chromosomes, predominantly at a frequency of 0.00027 within the East Asian subpopulation in the gnomAD database. The available data on variant occurrences in the general population are insufficient to allow any conclusion about variant significance. c.4048G>T has been reported in the literature in the literature without strong evidence for causality (Dong_2018). This report does not provide unequivocal conclusions about association of the variant with Hereditary Breast And Ovarian Cancer Syndrome. To our knowledge, no experimental evidence demonstrating an impact on protein function has been reported. The following publication has been ascertained in the context of this evaluation (PMID: 30039884). ClinVar contains an entry for this variant (Variation ID: 231563). Based on the evidence outlined above, the variant was classified as uncertain significance.

Color Diagnostics, LLC DBA Color Health
Classification: Uncertain significance for Hereditary cancer-predisposing syndrome. Last evaluated: 2025-02-25. Review status: criteria provided, single submitter. Criteria: ACMG Guidelines, 2015. Collection method: clinical testing. Allele origin: germline.
Comment: This missense variant replaces glycine with cysteine at codon 1350 of the BRCA1 protein. Computational prediction is inconclusive regarding the impact of this variant on protein structure and function. To our knowledge, functional studies have not been reported for this variant. This variant has been detected in a breast cancer case-control meta-analysis in 1/60466 cases and 0/53461 unaffected individuals (PMID: 33471991; Leiden Open Variation Database DB-ID BRCA1_006283). A multifactorial analysis has reported a likelihood ratio for pathogenicity based on personal and family history of 0.075 from log(LR)=-1.124176741 for two carriers (PMID: 31853058).T his variant has been identified in 5/251066 chromosomes in the general population by the Genome Aggregation Database (gnomAD). The available evidence is insufficient to determine the role of this variant in disease conclusively. Therefore, this variant is classified as a Variant of Uncertain Significance.

All of Us Research Program, National Institutes of Health
Classification: Uncertain significance for Breast-ovarian cancer, familial, susceptibility to, 1. Last evaluated: 2023-08-15. Review status: criteria provided, single submitter. Criteria: ACMG Guidelines, 2015. Collection method: clinical testing. Allele origin: germline. Inheritance: Autosomal dominant inheritance. Observed: 1 variant allele, 1 heterozygote.
Comment: This missense variant replaces glycine with cysteine at codon 1350 of the BRCA1 protein. Computational prediction is inconclusive regarding the impact of this variant on protein structure and function (internally defined REVEL score threshold 0.5 < inconclusive < 0.7, PMID: 27666373). Splice site prediction tools suggest that this variant may not impact RNA splicing. To our knowledge, functional studies have not been reported for this variant. This variant has not been reported in individuals affected with hereditary cancer in the literature. This variant has been identified in 5/251066 chromosomes in the general population by the Genome Aggregation Database (gnomAD). The available evidence is insufficient to determine the role of this variant in disease conclusively. Therefore, this variant is classified as a Variant of Uncertain Significance.

This study involves interpretation of variants in research participants for the purpose of population health screening. Participant phenotype was not available at the time of variant classification. Additional details can be found in publication PMID: 35346344, PMCID: PMC8962531

University of Washington Department of Laboratory Medicine, University of Washington
Classification: Likely benign for Hereditary cancer-predisposing syndrome. Last evaluated: 2023-03-23. Review status: criteria provided, single submitter. Criteria: Dines et al. (Genet Med. 2020). Collection method: curation. Allele origin: germline.
Comment: Missense variant in a coldspot region where missense variants are very unlikely to be pathogenic (PMID:31911673).

BRCA1 coldspot (exon 11 using historical exon numbering). Reclassification based on statistical prior probability

Ambry Genetics
Classification: Likely benign for Hereditary cancer-predisposing syndrome. Last evaluated: 2023-03-17. Review status: criteria provided, single submitter. Criteria: Ambry Variant Classification Scheme 2023. Collection method: clinical testing. Allele origin: germline.

Quest Diagnostics Nichols Institute San Juan Capistrano
Classification: Uncertain significance. Last evaluated: 2021-01-25. Review status: criteria provided, single submitter. Criteria: Quest Diagnostics criteria. Collection method: clinical testing. Allele origin: unknown.

AiLife Diagnostics
Classification: Uncertain significance. Last evaluated: 2020-05-07. Review status: criteria provided, single submitter. Criteria: ACMG Guidelines, 2015. Collection method: clinical testing. Allele origin: germline. Affected: yes. Observed: 1 variant allele.

GeneDx
Classification: Uncertain significance. Last evaluated: 2020-02-19. Review status: criteria provided, single submitter. Criteria: GeneDx Variant Classification Process June 2021. Collection method: clinical testing. Allele origin: germline. Affected: yes.
Comment: In silico analysis supports that this missense variant does not alter protein structure/function; Has not been previously published as pathogenic or benign to our knowledge; Also known as c.4167G>T

Literature cited by the submitters: PubMed 30039884 (cited by Labcorp Genetics (formerly Invitae), Labcorp and Women's Health and Genetics/Laboratory Corporation of America, LabCorp); PubMed 31853058 (cited by Color Diagnostics, LLC DBA Color Health); PubMed 33471991 (cited by Color Diagnostics, LLC DBA Color Health); PubMed 32467295 (cited by Quest Diagnostics Nichols Institute San Juan Capistrano).